The following is an entry in ClinVar:

ClinVar aggregate classification (germline): Conflicting classifications of pathogenicity. Review status: criteria provided, conflicting classifications (1 of 4 stars). 3 submissions from 3 submitters: Uncertain significance (1); Likely benign (2). Last evaluated 2025-01-08.

Conditions:
Hereditary cancer-predisposing syndrome. Also called: Hereditary Cancer Syndrome; Neoplastic Syndromes, Hereditary; Tumor predisposition; Hereditary neoplastic syndrome. Identifiers: Orphanet 140162, MedGen C0027672, MeSH D009386, MONDO:0015356.
Hereditary breast ovarian cancer syndrome. Also called: Breast and ovarian cancer; Hereditary breast and ovarian cancer; Hereditary breast and/or ovarian cancer syndrome; BRCA1- and BRCA2-Associated Hereditary Breast and Ovarian Cancer; Hereditary breast and ovarian cancer syndrome (HBOC); Hereditary breast and ovarian cancer syndrome. Identifiers: Orphanet 145, MedGen C0677776, MeSH D061325, MONDO:0003582. Disease mechanism: loss of function.

Submissions (3):

Labcorp Genetics (formerly Invitae), Labcorp
Classification: Uncertain significance for Hereditary breast ovarian cancer syndrome. Last evaluated: 2025-01-08. Review status: criteria provided, single submitter. Criteria: Invitae Variant Classification Sherloc (09022015). Collection method: clinical testing. Allele origin: germline.
Comment: This sequence change replaces valine, which is neutral and non-polar, with methionine, which is neutral and non-polar, at codon 1611 of the BRCA2 protein (p.Val1611Met). This variant is not present in population databases (gnomAD no frequency). This variant has not been reported in the literature in individuals affected with BRCA2-related conditions. ClinVar contains an entry for this variant (Variation ID: 1743439). Invitae Evidence Modeling of protein sequence and biophysical properties (such as structural, functional, and spatial information, amino acid conservation, physicochemical variation, residue mobility, and thermodynamic stability) indicates that this missense variant is not expected to disrupt BRCA2 protein function with a negative predictive value of 95%. In summary, the available evidence is currently insufficient to determine the role of this variant in disease. Therefore, it has been classified as a Variant of Uncertain Significance.

University of Washington Department of Laboratory Medicine, University of Washington
Classification: Likely benign for Hereditary cancer-predisposing syndrome. Last evaluated: 2023-03-23. Review status: criteria provided, single submitter. Criteria: Dines et al. (Genet Med. 2020). Collection method: curation. Allele origin: germline.
Comment: Missense variant in a coldspot region where missense variants are very unlikely to be pathogenic (PMID:31911673).

BRCA2 exon 11 coldspot. Reclassification based on statistical prior probability.

Ambry Genetics
Classification: Likely benign for Hereditary cancer-predisposing syndrome. Last evaluated: 2022-05-31. Review status: criteria provided, single submitter. Criteria: Ambry Variant Classification Scheme 2023. Collection method: clinical testing. Allele origin: germline.

NM_000059.4(BRCA2):c.4831G>A (p.Val1611Met)

Gene: BRCA2 (BRCA2 DNA repair associated; plus strand). Cytogenetic location: 13q13.1.
Variant type: single nucleotide variant.
Coding change: c.4831G>A on transcript NM_000059.4 (MANE Select); coding-DNA position 4831, G replaced by A.
Protein change: p.Val1611Met; replaces valine 1611 with methionine.
Molecular consequence: missense variant.
Genome position (GRCh38, 1-based): chr13:32,339,186, G>A. VCF-style: chr13-32339186-G-A. GRCh37 (hg19) VCF-style: chr13-32913323-G-A.
Other names: c.4831G>A, p.Val1611Met (NM_001406719.1, NM_001406720.1); short protein forms V1611M.
Identifiers: ClinVar variation 1743439 (VCV001743439.6), dbSNP rs1555283948, ClinGen allele CA387783321.